The following is an entry in ClinVar:

NM_005876.5(SPEG):c.7598C>T (p.Ser2533Leu)

Genes: ASIC4-AS1 (ASIC4 antisense RNA 1; minus strand), SPEG (striated muscle enriched protein kinase; plus strand). Cytogenetic location: 2q35.
Variant type: single nucleotide variant.
Coding change: c.7598C>T on transcript NM_005876.5 (MANE Select); coding-DNA position 7598, C replaced by T.
Protein change: p.Ser2533Leu; replaces serine 2533 with leucine.
Molecular consequence: missense variant.
Genome position (GRCh38, 1-based): chr2:219,485,061, C>T. VCF-style: chr2-219485061-C-T. GRCh37 (hg19) VCF-style: chr2-220349783-C-T.
Other names: short protein forms S2533L.
Identifiers: ClinVar variation 2164140 (VCV002164140.10), dbSNP rs556479231, ClinGen allele CA2127214.
Genomic context (GRCh38, chr2:219,485,061, plus strand): 5'-CCCAGGCCGGCGCCACCACGCCTTCCGCCGAGTCCCTGGGCTCCGAGGCCAGCGCCACGT[C>T]GGGCTCCTCAGGTGAGGAGGGGCAGGGGTAGGGCAGCAGGTGCAGAGGAGGGTGGGGTGC-3'
Protein context (NP_005867.3, residues 2523-2543): ESLGSEASAT[Ser2533Leu]GSSAPGESRS

ClinVar aggregate classification (germline): Uncertain significance. Review status: criteria provided, multiple submitters, no conflicts (2 of 4 stars). 3 submissions from 3 submitters: Uncertain significance (3). Last evaluated 2025-04-01.

Allele frequency attached by ClinVar (database versions not stated): ExAC 0.00010; gnomAD 0.00013; 1000 Genomes Project 30x 0.00016; TOPMed 0.00016; 1000 Genomes Project 0.00020.

Submissions (3):

CeGaT Center for Human Genetics Tuebingen
Classification: Uncertain significance. Last evaluated: 2025-04-01. Review status: criteria provided, single submitter. Criteria: CeGaT Center For Human Genetics Tuebingen Variant Classification Criteria Version 2. Collection method: clinical testing. Allele origin: germline. Affected: yes. Observed: 1 variant allele.

Blueprint Genetics
Classification: Uncertain significance. Last evaluated: 2024-10-26. Review status: criteria provided, single submitter. Criteria: ACMG Guidelines, 2015. Collection method: clinical testing. Allele origin: germline.

Labcorp Genetics (formerly Invitae), Labcorp
Classification: Uncertain significance. Last evaluated: 2024-01-15. Review status: criteria provided, single submitter. Criteria: Invitae Variant Classification Sherloc (09022015). Collection method: clinical testing. Allele origin: germline.
Comment: This sequence change replaces serine, which is neutral and polar, with leucine, which is neutral and non-polar, at codon 2533 of the SPEG protein (p.Ser2533Leu). This variant is present in population databases (rs556479231, gnomAD 0.06%). This variant has not been reported in the literature in individuals affected with SPEG-related conditions. ClinVar contains an entry for this variant (Variation ID: 2164140). An algorithm developed to predict the effect of missense changes on protein structure and function (PolyPhen-2) suggests that this variant¬†is likely to be tolerated. In summary, the available evidence is currently insufficient to determine the role of this variant in disease. Therefore, it has been classified as a Variant of Uncertain Significance.